The following is an entry in ClinVar:

NM_000052.7(ATP7A):c.3946dup (p.Ile1316fs)

Gene: ATP7A (ATPase copper transporting alpha; plus strand). Cytogenetic location: Xq21.1.
Variant type: Duplication.
Coding change: c.3946dup on transcript NM_000052.7 (MANE Select); coding-DNA position 3946, one base duplicated (A; older notation c.3946dupA).
Protein change: p.Ile1316fs; shifts the reading frame from isoleucine 1316.
Molecular consequence: frameshift variant. On other transcripts: non-coding transcript variant (1).
Genome position (GRCh38, 1-based): chrX:78,042,729, A duplicated; the last of 2 consecutive A bases (chrX:78,042,728-78,042,729); duplicating either gives the same sequence. VCF-style (leftmost placement, unchanged base first): chrX-78042727-G-GA. GRCh37 (hg19) VCF-style: chrX-77298225-G-GA.
Other names: c.3712dup, p.Ile1238fs (NM_001282224.2); short protein forms I1316fs, I1238fs.
Identifiers: ClinVar variation 1736386 (VCV001736386.2), dbSNP rs2522419362, ClinGen allele CA2580101993.
Genomic context (GRCh38, chrX:78,042,727, plus strand): 5'-GGGTAGCAATGGTGGGAGATGGAATCAATGACTCCCCAGCTCTGGCAATGGCTAATGTGG[G>GA]AATTGCTATTGGCACAGGCACAGATGTAGCCATTGAAGCAGCTGATGTGGTTTTGATAAG-3'

ClinVar aggregate classification (germline): Pathogenic (1 of 4 stars; one submission).

Conditions:
Inborn genetic diseases. Identifiers: MedGen C0950123, MeSH D030342.

Submission:

Ambry Genetics
Classification: Pathogenic for Inborn genetic diseases. Last evaluated: 2017-03-29. Review status: criteria provided, single submitter. Criteria: Ambry Variant Classification Scheme 2023. Collection method: clinical testing. Allele origin: germline.
Comment: The c.3946dupA pathogenic mutation, located in coding exon 19 of the ATP7A gene, results from a duplication of A at nucleotide position 3946, causing a translational frameshift with a predicted alternate stop codon (p.I1316Nfs*12). This alteration is expected to result in loss of function by premature protein truncation or nonsense-mediated mRNA decay. As such, this alteration is interpreted as a disease-causing mutation.